The following is an entry in ClinVar:

NM_000038.6(APC):c.2293G>T (p.Asp765Tyr)

Gene: APC (APC regulator of Wnt signaling pathway; plus strand). Cytogenetic location: 5q22.2.
Variant type: single nucleotide variant.
Coding change: c.2293G>T on transcript NM_000038.6 (MANE Select); coding-DNA position 2293, G replaced by T.
Protein change: p.Asp765Tyr; replaces aspartic acid 765 with tyrosine.
Molecular consequence: missense variant. On other transcripts: non-coding transcript variant (2).
Genome position (GRCh38, 1-based): chr5:112,837,887, G>T. VCF-style: chr5-112837887-G-T. GRCh37 (hg19) VCF-style: chr5-112173584-G-T.
Other names: c.1813G>T, p.Asp605Tyr (NM_001354905.2); c.1444G>T, p.Asp482Tyr (NM_001354906.2, NM_001407470.1); c.2377G>T, p.Asp793Tyr (NM_001407446.1); c.2347G>T, p.Asp783Tyr (NM_001407447.1, NM_001407448.1, NM_001407449.1 and 1 more transcripts); c.2293G>T, p.Asp765Tyr (NM_001407450.1, NM_001127510.3, NM_001354895.2); c.2272G>T, p.Asp758Tyr (NM_001407451.1); c.2263G>T, p.Asp755Tyr (NM_001407452.1); c.2116G>T, p.Asp706Tyr (NM_001407453.1, NM_001354901.2); and 11 more; short protein forms D381Y, D605Y, D674Y, D737Y, D747Y, D783Y, D706Y, D758Y.
Identifiers: ClinVar variation 4825067 (VCV004825067.1).
Genomic context (GRCh38, chr5:112,837,887, plus strand): 5'-CCTGGCTCAAGCTTGCCATCTCTTCATGTTAGGAAACAAAAAGCCCTAGAAGCAGAATTA[G>T]ATGCTCAGCACTTATCAGAAACTTTTGACAATATAGACAATTTAAGTCCCAAGGCATCTC-3'
Protein context (NP_000029.2, residues 755-775): RKQKALEAEL[Asp765Tyr]AQHLSETFDN

ClinVar aggregate classification (germline): Uncertain significance (1 of 4 stars; one submission).

Conditions:
Hereditary cancer-predisposing syndrome. Also called: Neoplastic Syndromes, Hereditary; Tumor predisposition; Hereditary Cancer Syndrome; Hereditary neoplastic syndrome. Identifiers: Orphanet 140162, MedGen C0027672, MeSH D009386, MONDO:0015356.

Submission:

Ambry Genetics
Classification: Uncertain significance for Hereditary cancer-predisposing syndrome. Last evaluated: 2026-02-20. Review status: criteria provided, single submitter. Criteria: Ambry Variant Classification Scheme 2023. Collection method: clinical testing. Allele origin: germline.
Comment: The p.D765Y variant (also known as c.2293G>T), located in coding exon 15 of the APC gene, results from a G to T substitution at nucleotide position 2293. The aspartic acid at codon 765 is replaced by tyrosine, an amino acid with highly dissimilar properties. This amino acid position is conserved. In addition, in silico predictors for this gene do not accurately predict pathogenicity. Based on the available evidence, the clinical significance of this variant remains unclear.